The following is an entry in ClinVar:

NM_015466.4(PTPN23):c.1408G>C (p.Glu470Gln)

Gene: PTPN23 (protein tyrosine phosphatase non-receptor type 23; plus strand). Cytogenetic location: 3p21.31.
Variant type: single nucleotide variant.
Coding change: c.1408G>C on transcript NM_015466.4 (MANE Select); coding-DNA position 1408, G replaced by C.
Protein change: p.Glu470Gln; replaces glutamic acid 470 with glutamine.
Molecular consequence: missense variant.
Genome position (GRCh38, 1-based): chr3:47,408,853, G>C. VCF-style: chr3-47408853-G-C. GRCh37 (hg19) VCF-style: chr3-47450343-G-C.
Other names: c.1030G>C, p.Glu344Gln (NM_001304482.2); c.1408G>C (NM_015466.2); short protein forms E470Q, E344Q.
Identifiers: ClinVar variation 1498468 (VCV001498468.4), dbSNP rs140038494, ClinGen allele CA2365736.
Genomic context (GRCh38, chr3:47,408,853, plus strand): 5'-ACGGATGTGGAGGCTTCCCTGAAGGACATCAGAGATCTGTTGGAGGAGGATGAGCTGCTA[G>C]AGCAGAAGTTTCAGGAGGCGGTGGGCCAGGCAGGGGCCATCTCCATCACCTCCAAGGCTG-3'
Protein context (NP_056281.1, residues 460-480): RDLLEEDELL[Glu470Gln]QKFQEAVGQA

ClinVar aggregate classification (germline): Uncertain significance. Review status: criteria provided, multiple submitters, no conflicts (2 of 4 stars). 2 submissions from 2 submitters: Uncertain significance (2). Last evaluated 2024-02-06.

Conditions:
Inborn genetic diseases. Identifiers: MedGen C0950123, MeSH D030342.

Allele frequency attached by ClinVar (database versions not stated): gnomAD exomes 0.00001 and 0.00002; ExAC 0.00002; gnomAD 0.00002 and 0.00003; TOPMed 0.00003; ESP Exome Variant Server 0.00008.

Submissions (2):

Ambry Genetics
Classification: Uncertain significance for Inborn genetic diseases. Last evaluated: 2024-02-06. Review status: criteria provided, single submitter. Criteria: Ambry Variant Classification Scheme 2023. Collection method: clinical testing. Allele origin: germline.

Labcorp Genetics (formerly Invitae), Labcorp
Classification: Uncertain significance. Last evaluated: 2022-08-16. Review status: criteria provided, single submitter. Criteria: Invitae Variant Classification Sherloc (09022015). Collection method: clinical testing. Allele origin: germline.
Comment: This sequence change replaces glutamic acid, which is acidic and polar, with glutamine, which is neutral and polar, at codon 470 of the PTPN23 protein (p.Glu470Gln). This variant is present in population databases (rs140038494, gnomAD 0.003%). This variant has not been reported in the literature in individuals affected with PTPN23-related conditions. ClinVar contains an entry for this variant (Variation ID: 1498468). Algorithms developed to predict the effect of missense changes on protein structure and function are either unavailable or do not agree on the potential impact of this missense change (SIFT: "Deleterious"; PolyPhen-2: "Not Available"; Align-GVGD: "Class C0"). In summary, the available evidence is currently insufficient to determine the role of this variant in disease. Therefore, it has been classified as a Variant of Uncertain Significance.